The following is an entry in ClinVar:

NM_013451.4(MYOF):c.4813A>G (p.Met1605Val)

Gene: MYOF (myoferlin; minus strand). Cytogenetic location: 10q23.33.
Variant type: single nucleotide variant.
Coding change: c.4813A>G on transcript NM_013451.4 (MANE Select); coding-DNA position 4813, A replaced by G.
Protein change: p.Met1605Val; replaces methionine 1605 with valine.
Molecular consequence: missense variant.
Genome position (GRCh38, 1-based): chr10:93,329,833, T>C on the plus strand (A>G on the coding strand, the complement: MYOF is on the minus strand). VCF-style: chr10-93329833-T-C. GRCh37 (hg19) VCF-style: chr10-95089590-T-C.
Other names: c.4774A>G, p.Met1592Val (NM_133337.3); short protein forms M1605V, M1592V.
Identifiers: ClinVar variation 2207591 (VCV002207591.24), dbSNP rs776610506, ClinGen allele CA5606899.

ClinVar aggregate classification (germline): Conflicting classifications of pathogenicity. Review status: criteria provided, conflicting classifications (1 of 4 stars). 2 submissions from 2 submitters: Uncertain significance (1); Likely benign (1). Last evaluated 2024-01-01.

Allele frequency attached by ClinVar (database versions not stated): ExAC 0.00002; gnomAD 0.00004; TOPMed 0.00004.

Submissions (2):

CeGaT Center for Human Genetics Tuebingen
Classification: Likely benign. Last evaluated: 2024-01-01. Review status: criteria provided, single submitter. Criteria: CeGaT Center For Human Genetics Tuebingen Variant Classification Criteria Version 2. Collection method: clinical testing. Allele origin: germline. Affected: yes. Observed: 1 variant allele.
Comment: MYOF: BP4

Ambry Genetics
Classification: Uncertain significance. Last evaluated: 2021-09-01. Review status: criteria provided, single submitter. Criteria: Ambry Variant Classification Scheme 2023. Collection method: clinical testing. Allele origin: germline.